The following is an entry in ClinVar:

ClinVar aggregate classification (germline): Uncertain significance (1 of 4 stars; one submission).

Conditions:
Osteogenesis imperfecta type I (OI1). Also called: Lobstein's Disease; Lobstein disease; Classic Non-deforming Osteogenesis Imperfecta with Blue Sclerae; OI, TYPE I; OSTEOGENESIS IMPERFECTA TARDA; OSTEOGENESIS IMPERFECTA WITH BLUE SCLERAE. Identifiers: Orphanet 216796, Orphanet 666, MedGen C0023931, MONDO:0008146, OMIM 166200. Disease mechanism: loss of function.

gnomAD v4.1: 1 of 1,613,934 alleles (0.000062%); highest among the groups gnomAD compares: South Asian, 0.0011%; no homozygotes.

Submission:

Labcorp Genetics (formerly Invitae), Labcorp
Classification: Uncertain significance for Osteogenesis imperfecta type I. Last evaluated: 2024-11-11. Review status: criteria provided, single submitter. Criteria: Invitae Variant Classification Sherloc (09022015). Collection method: clinical testing. Allele origin: germline.
Comment: This sequence change replaces serine, which is neutral and polar, with proline, which is neutral and non-polar, at codon 101 of the COL1A1 protein (p.Ser101Pro). This variant is not present in population databases (gnomAD no frequency). This variant has not been reported in the literature in individuals affected with COL1A1-related conditions. An algorithm developed to predict the effect of missense changes on protein structure and function outputs the following: PolyPhen-2: "Not Available". The proline amino acid residue is found in multiple mammalian species, which suggests that this missense change does not adversely affect protein function. In summary, the available evidence is currently insufficient to determine the role of this variant in disease. Therefore, it has been classified as a Variant of Uncertain Significance.

NM_000088.4(COL1A1):c.301T>C (p.Ser101Pro)

Gene: COL1A1 (collagen type I alpha 1 chain; minus strand). Cytogenetic location: 17q21.33.
Variant type: single nucleotide variant.
Coding change: c.301T>C on transcript NM_000088.4 (MANE Select); coding-DNA position 301, T replaced by C.
Protein change: p.Ser101Pro; replaces serine 101 with proline.
Molecular consequence: missense variant.
Genome position (GRCh38, 1-based): chr17:50,199,588, A>G on the plus strand (T>C on the coding strand, the complement: COL1A1 is on the minus strand). VCF-style: chr17-50199588-A-G. GRCh37 (hg19) VCF-style: chr17-48276949-A-G.
Other names: short protein forms S101P.
Identifiers: ClinVar variation 3661343 (VCV003661343.2).